The following is an entry in ClinVar:

NM_001365536.1(SCN9A):c.1900C>T (p.Arg634Cys)

Genes: SCN1A-AS1 (SCN1A and SCN9A antisense RNA 1; plus strand), SCN9A (sodium voltage-gated channel alpha subunit 9; minus strand). Cytogenetic location: 2q24.3.
Variant type: single nucleotide variant.
Coding change: c.1900C>T on transcript NM_001365536.1 (MANE Select); coding-DNA position 1900, C replaced by T.
Protein change: p.Arg634Cys; replaces arginine 634 with cysteine.
Molecular consequence: missense variant.
Genome position (GRCh38, 1-based): chr2:166,284,527, G>A on the plus strand (C>T on the coding strand, the complement: SCN9A is on the minus strand). VCF-style: chr2-166284527-G-A. GRCh37 (hg19) VCF-style: chr2-167141037-G-A.
Other names: c.1900C>T, p.Arg634Cys (NM_002977.4); short protein forms R634C.
Identifiers: ClinVar variation 566621 (VCV000566621.12), dbSNP rs371543591, ClinGen allele CA59799296.
Genomic context (GRCh38, chr2:166,284,527, plus strand): 5'-TTGCCTTATCTATTATCACCTCTGGCAGAAGCTGTCCATTGGGGAGCATGAGGGCTGAGC[G>A]TCCATCAACCAGGGAGACCACACCGTTGCAGTCCACAGCACTGTGCATTTTCCCGTTCAC-3'
Protein context (NP_001352465.1, residues 624-644): CNGVVSLVDG[Arg634Cys]SALMLPNGQL

ClinVar aggregate classification (germline): Uncertain significance. Review status: criteria provided, multiple submitters, no conflicts (2 of 4 stars). 3 submissions from 3 submitters: Uncertain significance (3). Last evaluated 2026-01-01.

Conditions:
Neuropathy, hereditary sensory and autonomic, type 2A (HSAN2A). Also called: ACROOSTEOLYSIS, GIACCAI TYPE; ACROOSTEOLYSIS, NEUROGENIC; MORVAN DISEASE; NEUROPATHY, CONGENITAL SENSORY; NEUROPATHY, HEREDITARY SENSORY RADICULAR, AUTOSOMAL RECESSIVE; NEUROPATHY, HEREDITARY SENSORY, TYPE IIA. Identifiers: Orphanet 970, MedGen C2752089, MONDO:0024309, OMIM 201300.
Generalized epilepsy with febrile seizures plus, type 7 (GEFSP7). Also called: GEFS+, TYPE 7. Identifiers: Orphanet 36387, MedGen C2751778, MONDO:0013470, OMIM 613863.
Inborn genetic diseases. Identifiers: MedGen C0950123, MeSH D030342.

Allele frequency attached by ClinVar (database versions not stated): gnomAD 0.00001 and 0.00002; gnomAD exomes 0.00002 and 0.00005; TOPMed 0.00002; ESP Exome Variant Server 0.00008.
gnomAD v4.1: 69 of 1,613,960 alleles (0.0043%); highest among the groups gnomAD compares: Non-Finnish European, 0.0053%; no homozygotes.

Submissions (3):

Labcorp Genetics (formerly Invitae), Labcorp
Classification: Uncertain significance for Neuropathy, hereditary sensory and autonomic, type 2A; Generalized epilepsy with febrile seizures plus, type 7. Last evaluated: 2026-01-01. Review status: criteria provided, single submitter. Criteria: Invitae Variant Classification Sherloc (09022015). Collection method: clinical testing. Allele origin: germline.
Comment: This sequence change replaces arginine, which is basic and polar, with cysteine, which is neutral and slightly polar, at codon 634 of the SCN9A protein (p.Arg634Cys). This variant is present in population databases (rs371543591, gnomAD 0.005%). This variant has not been reported in the literature in individuals affected with SCN9A-related conditions. ClinVar contains an entry for this variant (Variation ID: 566621). Invitae Evidence Modeling of protein sequence and biophysical properties (such as structural, functional, and spatial information, amino acid conservation, physicochemical variation, residue mobility, and thermodynamic stability) indicates that this missense variant is not expected to disrupt SCN9A protein function with a negative predictive value of 95%. In summary, the available evidence is currently insufficient to determine the role of this variant in disease. Therefore, it has been classified as a Variant of Uncertain Significance.

GeneDx
Classification: Uncertain significance. Last evaluated: 2024-10-29. Review status: criteria provided, single submitter. Criteria: GeneDx Variant Classification Process June 2021. Collection method: clinical testing. Allele origin: germline. Affected: yes.
Comment: In silico analysis indicates that this missense variant does not alter protein structure/function; Has not been previously published as pathogenic or benign to our knowledge

Ambry Genetics
Classification: Uncertain significance for Inborn genetic diseases. Last evaluated: 2022-11-01. Review status: criteria provided, single submitter. Criteria: Ambry Variant Classification Scheme 2023. Collection method: clinical testing. Allele origin: germline.